The following is an entry in ClinVar:

ClinVar aggregate classification (germline): Conflicting classifications of pathogenicity. Review status: criteria provided, conflicting classifications (1 of 4 stars). 3 submissions from 3 submitters: Uncertain significance (2); Likely benign (1). Last evaluated 2024-05-20.

Conditions:
Neuropathy, hereditary sensory, type 2C. Also called: Hereditary sensory and autonomic neuropathy type IIC; KIF1A-Related HSAN2 (HSAN2C). Identifiers: Orphanet 970, MedGen C3280168, MONDO:0013634, OMIM 614213.
Intellectual disability, autosomal dominant 9 (NESCAVS). Also called: KIF1A-Related Neurodevelopmental Disorder; NESCAV SYNDROME. Identifiers: Orphanet 662367, MedGen C5393830, MONDO:0013656, OMIM 614255.
Hereditary spastic paraplegia 30. Identifiers: Orphanet 101010, MedGen C5235139, MONDO:0012476.

Allele frequency attached by ClinVar (database versions not stated): gnomAD exomes 0.00001; TOPMed 0.00001; ExAC 0.00002.
gnomAD v4.1: 17 of 1,612,464 alleles (0.0011%); highest among the groups gnomAD compares: South Asian, 0.0044%; no homozygotes.

Submissions (3):

Labcorp Genetics (formerly Invitae), Labcorp
Classification: Likely benign for Hereditary spastic paraplegia 30; Neuropathy, hereditary sensory, type 2C; Intellectual disability, autosomal dominant 9. Last evaluated: 2024-05-20. Review status: criteria provided, single submitter. Criteria: Invitae Variant Classification Sherloc (09022015). Collection method: clinical testing. Allele origin: germline.

Blueprint Genetics
Classification: Uncertain significance. Last evaluated: 2023-10-26. Review status: criteria provided, single submitter. Criteria: ACMG Guidelines, 2015. Collection method: clinical testing. Allele origin: germline.

GeneDx
Classification: Uncertain significance. Last evaluated: 2016-05-27. Review status: criteria provided, single submitter. Criteria: GeneDx Variant Classification (06012015). Collection method: clinical testing. Allele origin: germline. Affected: yes.
Comment: The R1600Q variant has not been published as a pathogenic variant, nor has it been reported as a benign variant to our knowledge. It was not observed in approximately 6,400 individuals of European and African American ancestry in the NHLBI Exome Sequencing Project, indicating it is not a common benign variant in these populations. The R1600Q variant is a semi-conservative amino acid substitution, which may impact secondary protein structure as these residues differ in some properties. This substitution occurs at a position that is conserved across species. In silico analysis predicts this variant is probably damaging to the protein structure/function. However, this amino acid substitution does not occur within the predicted motor domain of the protein, where all pathogenic missense KIF1A pathogenic variants have been identified to-date (Lee et al., 2014). Therefore, based on the currently available information, it is unclear whether this variant is a pathogenic variant or a rare benign variant.

NM_001244008.2(KIF1A):c.5102G>A (p.Arg1701Gln)

Gene: KIF1A (kinesin family member 1A; minus strand). Cytogenetic location: 2q37.3.
Variant type: single nucleotide variant.
Coding change: c.5102G>A on transcript NM_001244008.2 (MANE Select); coding-DNA position 5102, G replaced by A.
Protein change: p.Arg1701Gln; replaces arginine 1701 with glutamine.
Molecular consequence: missense variant.
Genome position (GRCh38, 1-based): chr2:240,719,118, C>T on the plus strand (G>A on the coding strand, the complement: KIF1A is on the minus strand). VCF-style: chr2-240719118-C-T. GRCh37 (hg19) VCF-style: chr2-241658535-C-T.
Other names: c.4826G>A, p.Arg1609Gln (NM_001320705.2, NM_001379649.1); c.4853G>A, p.Arg1618Gln (NM_001330289.2); c.4901G>A, p.Arg1634Gln (NM_001330290.2, NM_001379648.1); c.5177G>A, p.Arg1726Gln (NM_001379631.1); c.5078G>A, p.Arg1693Gln (NM_001379632.1); c.5075G>A, p.Arg1692Gln (NM_001379633.1, NM_001379645.1); c.4928G>A, p.Arg1643Gln (NM_001379634.1); c.4925G>A, p.Arg1642Gln (NM_001379635.1, NM_001379646.1); and 7 more; short protein forms R1600Q, R1701Q, R1609Q, R1634Q, R1618Q, R1599Q, R1608Q, R1617Q.
Identifiers: ClinVar variation 246594 (VCV000246594.12), dbSNP rs780828140, ClinGen allele CA2207175.